The following is an entry in ClinVar:

NM_004360.5(CDH1):c.2295+14A>G

Gene: CDH1 (cadherin 1; plus strand). Cytogenetic location: 16q22.1.
Variant type: single nucleotide variant.
Coding change: c.2295+14A>G on transcript NM_004360.5 (MANE Select); 14 bases into the intron after coding-DNA position 2295, A replaced by G.
Molecular consequence: intron variant.
Genome position (GRCh38, 1-based): chr16:68,828,318, A>G. VCF-style: chr16-68828318-A-G. GRCh37 (hg19) VCF-style: chr16-68862221-A-G.
Other names: c.2295+14A>G (LRG_301t1, NM_004360.4); c.747+14A>G (NM_001317185.2); c.2112+14A>G (NM_001317184.2); c.330+14A>G (NM_001317186.2).
Identifiers: ClinVar variation 377642 (VCV000377642.12), dbSNP rs1024244866, ClinGen allele CA16607370.

ClinVar aggregate classification (germline): Likely benign. Review status: criteria provided, multiple submitters, no conflicts (2 of 4 stars). 4 submissions from 4 submitters: Likely benign (4). Last evaluated 2026-01-20.

Conditions:
Familial cancer of breast. Also called: Hereditary breast cancer; BREAST CANCER, FAMILIAL; hereditary breast carcinoma. Identifiers: Orphanet 227535, MedGen C0346153, MONDO:0016419, OMIM 114480. Disease mechanism: loss of function.
Ovarian cancer. Also called: OVARIAN CANCER, SOMATIC. Identifiers: Orphanet 213500, MedGen C1140680, MONDO:0008170, OMIM 167000.
Hereditary cancer-predisposing syndrome. Also called: Hereditary neoplastic syndrome; Tumor predisposition; Neoplastic Syndromes, Hereditary; Hereditary Cancer Syndrome. Identifiers: Orphanet 140162, MedGen C0027672, MeSH D009386, MONDO:0015356.
Hereditary diffuse gastric adenocarcinoma (HDGC). Also called: DIFFUSE GASTRIC AND LOBULAR BREAST CANCER SYNDROME. Identifiers: Orphanet 26106, MedGen C1708349, MONDO:0007648, OMIM 137215.

Allele frequency attached by ClinVar (database versions not stated): gnomAD exomes below 0.00001; gnomAD 0.00001; TOPMed 0.00002.
gnomAD v4.1: 4 of 1,613,560 alleles (0.00025%); highest among the groups gnomAD compares: Non-Finnish European, 0.00025%; no homozygotes.

Submissions (4):

Labcorp Genetics (formerly Invitae), Labcorp
Classification: Likely benign for Hereditary diffuse gastric adenocarcinoma. Last evaluated: 2026-01-20. Review status: criteria provided, single submitter. Criteria: Invitae Variant Classification Sherloc (09022015). Collection method: clinical testing. Allele origin: germline.

Department of Pathology and Laboratory Medicine, Sinai Health System
Classification: Likely benign for Familial cancer of breast; Ovarian cancer. Last evaluated: 2021-09-20. Review status: criteria provided, single submitter. Criteria: ACMG Guidelines, 2015. Collection method: clinical testing. Allele origin: germline. Affected: yes.

Color Diagnostics, LLC DBA Color Health
Classification: Likely benign for Hereditary cancer-predisposing syndrome. Last evaluated: 2016-08-19. Review status: criteria provided, single submitter. Criteria: ACMG Guidelines, 2015. Collection method: clinical testing. Allele origin: germline.

GeneDx
Classification: Likely benign. Last evaluated: 2016-03-02. Review status: criteria provided, single submitter. Criteria: GeneDx Variant Classification (06012015). Collection method: clinical testing. Allele origin: germline. Affected: yes.
Comment: This variant is considered likely benign or benign based on one or more of the following criteria: it is a conservative change, it occurs at a poorly conserved position in the protein, it is predicted to be benign by multiple in silico algorithms, and/or has population frequency not consistent with disease.